The following is an entry in ClinVar:

NM_000069.3(CACNA1S):c.4861G>A (p.Val1621Ile)

Gene: CACNA1S (calcium voltage-gated channel subunit alpha1 S; minus strand). Cytogenetic location: 1q32.1.
Variant type: single nucleotide variant.
Coding change: c.4861G>A on transcript NM_000069.3 (MANE Select); coding-DNA position 4861, G replaced by A.
Protein change: p.Val1621Ile; replaces valine 1621 with isoleucine.
Molecular consequence: missense variant.
Genome position (GRCh38, 1-based): chr1:201,043,468, C>T on the plus strand (G>A on the coding strand, the complement: CACNA1S is on the minus strand). VCF-style: chr1-201043468-C-T. GRCh37 (hg19) VCF-style: chr1-201012596-C-T.
Other names: short protein forms V1621I.
Identifiers: ClinVar variation 541033 (VCV000541033.15), dbSNP rs756066219, ClinGen allele CA1321791.

ClinVar aggregate classification (germline): Conflicting classifications of pathogenicity. Review status: criteria provided, conflicting classifications (1 of 4 stars). 5 submissions from 5 submitters: Uncertain significance (4); Likely benign (1). Last evaluated 2025-12-22.

Conditions:
Inborn genetic diseases. Identifiers: MedGen C0950123, MeSH D030342.
Congenital myopathy 18. Also called: Myopathy, congenital, due to dihydropyridine receptor defect; DIHYDROPYRIDINE RECEPTOR CONGENITAL MYOPATHY; DHPR CONGENITAL MYOPATHY. Identifiers: MedGen C5830283, MONDO:0859514, OMIM 620246.
Thyrotoxic periodic paralysis, susceptibility to, 1 (TTPP1). Identifiers: Orphanet 79102, MedGen C2749982, MONDO:0008570, OMIM 188580.
Malignant hyperthermia, susceptibility to, 5 (MHS5). Also called: CACNA1S-Related Malignant Hyperthermia Susceptibility. Identifiers: Orphanet 423, MedGen C1866077, MONDO:0011163, OMIM 601887.
Hypokalemic periodic paralysis, type 1. Also called: Hypokalemic Periodic Paralysis Type 1 (AD); HypoPP. Identifiers: Orphanet 681, MedGen C3714580, MONDO:0042979, OMIM 170400.
CACNA1S-related disorder. Also called: CACNA1S-related condition.

Allele frequency attached by ClinVar (database versions not stated): gnomAD exomes 0.00005; gnomAD 0.00006; TOPMed 0.00006; ExAC 0.00008.
gnomAD v4.1: 91 of 1,613,808 alleles (0.0056%); highest among the groups gnomAD compares: East Asian, 0.016%; no homozygotes.

Submissions (5):

Labcorp Genetics (formerly Invitae), Labcorp
Classification: Likely benign for Hypokalemic periodic paralysis, type 1; Malignant hyperthermia, susceptibility to, 5. Last evaluated: 2025-12-22. Review status: criteria provided, single submitter. Criteria: Invitae Variant Classification Sherloc (09022015). Collection method: clinical testing. Allele origin: germline.

PreventionGenetics, part of Exact Sciences
Classification: Uncertain significance for CACNA1S-related condition. Last evaluated: 2025-02-05. Review status: criteria provided, single submitter. Criteria: ACMG Guidelines, 2015. Collection method: clinical testing. Allele origin: germline.
Comment: The CACNA1S c.4861G>A variant is predicted to result in the amino acid substitution p.Val1621Ile. To our knowledge, this variant has not been reported in the literature. This variant is reported in 0.010% of alleles in individuals of East Asian descent in gnomAD, which is likely too frequent to be a primary cause of autosomal dominant disease. At this time, the clinical significance of this variant is uncertain due to the absence of conclusive functional and genetic evidence.

Color Diagnostics, LLC DBA Color Health
Classification: Uncertain significance for Malignant hyperthermia, susceptibility to, 5. Last evaluated: 2024-03-06. Review status: criteria provided, single submitter. Criteria: ACMG Guidelines, 2015. Collection method: clinical testing. Allele origin: germline.
Comment: This missense variant replaces valine with isoleucine at codon 1621 of the CACNA1S protein. Computational prediction suggests that this variant may not impact protein structure and function. To our knowledge, functional studies have not been reported for this variant. This variant has not been reported in individuals affected with CACNA1S-related disorders in the literature. This variant has been identified in 14/282710 chromosomes in the general population by the Genome Aggregation Database (gnomAD). The available evidence is insufficient to determine the role of this variant in disease conclusively. Therefore, this variant is classified as a Variant of Uncertain Significance.

Fulgent Genetics
Classification: Uncertain significance for Hypokalemic periodic paralysis, type 1; Thyrotoxic periodic paralysis, susceptibility to, 1; Malignant hyperthermia, susceptibility to, 5; Congenital myopathy 18. Last evaluated: 2023-12-29. Review status: criteria provided, single submitter. Criteria: ACMG Guidelines, 2015. Collection method: clinical testing. Allele origin: germline.

Ambry Genetics
Classification: Uncertain significance for Inborn genetic diseases. Last evaluated: 2021-08-06. Review status: criteria provided, single submitter. Criteria: Ambry Variant Classification Scheme 2023. Collection method: clinical testing. Allele origin: germline.